The following is an entry in ClinVar:

ClinVar aggregate classification (germline): Uncertain significance. Review status: criteria provided, multiple submitters, no conflicts (2 of 4 stars). 4 submissions from 4 submitters: Uncertain significance (4). Last evaluated 2024-04-25.

Conditions:
Arginase deficiency. Also called: Arginase 1 Deficiency; ARGININEMIA; ARG1 DEFICIENCY. Identifiers: Orphanet 90, MedGen C0268548, MONDO:0008814, OMIM 207800.

Allele frequency attached by ClinVar (database versions not stated): gnomAD exomes 0.00010 and 0.00005; ExAC 0.00009; TOPMed 0.00004.
gnomAD v4.1: 79 of 1,613,664 alleles (0.0049%); highest among the groups gnomAD compares: Non-Finnish European, 0.0012%; no homozygotes.

Submissions (4):

Blueprint Genetics
Classification: Uncertain significance. Last evaluated: 2024-04-25. Review status: criteria provided, single submitter. Criteria: ACMG Guidelines, 2015. Collection method: clinical testing. Allele origin: germline.

GeneDx
Classification: Uncertain significance. Last evaluated: 2023-08-03. Review status: criteria provided, single submitter. Criteria: GeneDx Variant Classification Process June 2021. Collection method: clinical testing. Allele origin: germline. Affected: yes.
Comment: In silico analysis supports that this missense variant has a deleterious effect on protein structure/function; This variant is associated with the following publications: (PMID: 29726057)

Labcorp Genetics (formerly Invitae), Labcorp
Classification: Uncertain significance for Arginase deficiency. Last evaluated: 2022-07-19. Review status: criteria provided, single submitter. Criteria: Invitae Variant Classification Sherloc (09022015). Collection method: clinical testing. Allele origin: germline.
Comment: This sequence change replaces glycine, which is neutral and non-polar, with alanine, which is neutral and non-polar, at codon 161 of the ARG1 protein (p.Gly161Ala). This variant is present in population databases (rs201484132, gnomAD 0.2%). This variant has not been reported in the literature in individuals affected with ARG1-related conditions. ClinVar contains an entry for this variant (Variation ID: 903877). Algorithms developed to predict the effect of missense changes on protein structure and function are either unavailable or do not agree on the potential impact of this missense change (SIFT: "Deleterious"; PolyPhen-2: "Possibly Damaging"; Align-GVGD: "Class C0"). In summary, the available evidence is currently insufficient to determine the role of this variant in disease. Therefore, it has been classified as a Variant of Uncertain Significance.

Illumina Laboratory Services, Illumina
Classification: Uncertain significance for Arginase deficiency. Last evaluated: 2018-03-16. Review status: criteria provided, single submitter. Criteria: ICSL Variant Classification Criteria 13 December 2019. Collection method: clinical testing. Allele origin: germline.

NM_000045.4(ARG1):c.482G>C (p.Gly161Ala)

Genes: ARG1 (arginase 1; plus strand), MED23 (mediator complex subunit 23; minus strand). Cytogenetic location: 6q23.2.
Variant type: single nucleotide variant.
Coding change: c.482G>C on transcript NM_000045.4 (MANE Select); coding-DNA position 482, G replaced by C.
Protein change: p.Gly161Ala; replaces glycine 161 with alanine.
Molecular consequence: missense variant. On other transcripts: non-coding transcript variant (1), intron variant (3).
Genome position (GRCh38, 1-based): chr6:131,582,637, G>C. VCF-style: chr6-131582637-G-C. GRCh37 (hg19) VCF-style: chr6-131903777-G-C.
Other names: c.506G>C, p.Gly169Ala (NM_001244438.2); c.306-423G>C (NM_001369020.1); c.4077+5072C>G (NM_001270521.2); c.4095+5072C>G (NM_015979.4); short protein forms G161A, G169A.
Identifiers: ClinVar variation 903877 (VCV000903877.10), dbSNP rs201484132, ClinGen allele CA3999284.